The following is an entry in ClinVar:

ClinVar aggregate classification (germline): Uncertain significance (1 of 4 stars; one submission).

Conditions:
Griscelli syndrome type 2 (GS2). Also called: PAID SYNDROME; PARTIAL ALBINISM AND IMMUNODEFICIENCY SYNDROME; GRISCELLI SYNDROME WITH HEMOPHAGOCYTIC SYNDROME. Identifiers: Orphanet 381, Orphanet 79477, MedGen C1868679, MONDO:0011872, OMIM 607624.

Submission:

Labcorp Genetics (formerly Invitae), Labcorp
Classification: Uncertain significance for Griscelli syndrome type 2. Last evaluated: 2025-04-10. Review status: criteria provided, single submitter. Criteria: Invitae Variant Classification Sherloc (09022015). Collection method: clinical testing. Allele origin: germline.
Comment: This sequence change replaces phenylalanine, which is neutral and non-polar, with valine, which is neutral and non-polar, at codon 12 of the RAB27A protein (p.Phe12Val). This variant is not present in population databases (gnomAD no frequency). This variant has not been reported in the literature in individuals affected with RAB27A-related conditions. An algorithm developed to predict the effect of missense changes on protein structure and function (PolyPhen-2) suggests that this variant is likely to be disruptive. In summary, the available evidence is currently insufficient to determine the role of this variant in disease. Therefore, it has been classified as a Variant of Uncertain Significance.

NM_183235.3(RAB27A):c.34T>G (p.Phe12Val)

Gene: RAB27A (RAB27A, member RAS oncogene family; minus strand). Cytogenetic location: 15q21.3.
Variant type: single nucleotide variant.
Coding change: c.34T>G on transcript NM_183235.3 (MANE Select); coding-DNA position 34, T replaced by G.
Protein change: p.Phe12Val; replaces phenylalanine 12 with valine.
Molecular consequence: missense variant.
Genome position (GRCh38, 1-based): chr15:55,234,901, A>C on the plus strand (T>G on the coding strand, the complement: RAB27A is on the minus strand). VCF-style: chr15-55234901-A-C. GRCh37 (hg19) VCF-style: chr15-55527099-A-C.
Other names: c.34T>G, p.Phe12Val (NM_001438970.1, NM_001438972.1, NM_001438973.1 and 11 more transcripts); short protein forms F12V.
Identifiers: ClinVar variation 4714993 (VCV004714993.1).